The following is an entry in ClinVar:

ClinVar aggregate classification (germline): Uncertain significance (1 of 4 stars; one submission).

Conditions:
Glanzmann thrombasthenia. Also called: BLEEDING DISORDER, PLATELET-TYPE, 2; THROMBASTHENIA OF GLANZMANN AND NAEGELI; PLATELET GLYCOPROTEIN IIb-IIIa DEFICIENCY; Glanzmann's thrombasthenia; Thrombasthenia. Identifiers: Orphanet 849, MedGen C0040015, MONDO:0100326.

gnomAD v4.1: 2 of 1,612,176 alleles (0.00012%); highest among the groups gnomAD compares: East Asian, 0.0045%; no homozygotes.

Submission:

Labcorp Genetics (formerly Invitae), Labcorp
Classification: Uncertain significance for Glanzmann thrombasthenia. Last evaluated: 2025-01-30. Review status: criteria provided, single submitter. Criteria: Invitae Variant Classification Sherloc (09022015). Collection method: clinical testing. Allele origin: germline.
Comment: This sequence change replaces arginine, which is basic and polar, with glycine, which is neutral and non-polar, at codon 171 of the ITGA2B protein (p.Arg171Gly). This variant is present in population databases (rs749432805, gnomAD 0.01%). This variant has not been reported in the literature in individuals affected with ITGA2B-related conditions. Invitae Evidence Modeling of protein sequence and biophysical properties (such as structural, functional, and spatial information, amino acid conservation, physicochemical variation, residue mobility, and thermodynamic stability) indicates that this missense variant is expected to disrupt ITGA2B protein function with a positive predictive value of 95%. In summary, the available evidence is currently insufficient to determine the role of this variant in disease. Therefore, it has been classified as a Variant of Uncertain Significance.

NM_000419.5(ITGA2B):c.511C>G (p.Arg171Gly)

Gene: ITGA2B (integrin subunit alpha 2b; minus strand). Cytogenetic location: 17q21.31.
Variant type: single nucleotide variant.
Coding change: c.511C>G on transcript NM_000419.5 (MANE Select); coding-DNA position 511, C replaced by G.
Protein change: p.Arg171Gly; replaces arginine 171 with glycine.
Molecular consequence: missense variant.
Genome position (GRCh38, 1-based): chr17:44,385,614, G>C on the plus strand (C>G on the coding strand, the complement: ITGA2B is on the minus strand). VCF-style: chr17-44385614-G-C. GRCh37 (hg19) VCF-style: chr17-42462982-G-C.
Other names: short protein forms R171G.
Identifiers: ClinVar variation 4749006 (VCV004749006.1).